The following is an entry in ClinVar:

ClinVar aggregate classification (germline): Uncertain significance (1 of 4 stars; one submission).

Conditions:
Rhabdoid tumor predisposition syndrome 2 (RTPS2). Identifiers: Orphanet 231108, Orphanet 69077, MedGen C2750074, MONDO:0013224, OMIM 613325.

Submission:

Labcorp Genetics (formerly Invitae), Labcorp
Classification: Uncertain significance for Rhabdoid tumor predisposition syndrome 2. Last evaluated: 2021-08-12. Review status: criteria provided, single submitter. Criteria: Invitae Variant Classification Sherloc (09022015). Collection method: clinical testing. Allele origin: germline.
Comment: This variant results in a copy number gain of the genomic region encompassing exon(s) 36 of the SMARCA4 gene. This region includes the termination codon of the gene. This copy number gain extends beyond the assayed region for this gene and therefore may encompass additional genes. As the precise location of this event is unknown, it may be in tandem or it may be located elsewhere in the genome. This variant has not been reported in the literature in individuals affected with SMARCA4-related conditions. In summary, the available evidence is currently insufficient to determine the role of this variant in disease. Therefore, it has been classified as a Variant of Uncertain Significance.

NC_000019.9:g.(?_11172454)_(11172498_?)dup

Gene: SMARCA4 (SWI/SNF related BAF chromatin remodeling complex subunit ATPase 4; plus strand). Cytogenetic location: 19p13.2.
Variant type: Duplication.
Identifiers: ClinVar variation 470220 (VCV000470220.8).